The following is an entry in ClinVar:

NM_000392.5(ABCC2):c.2461A>G (p.Ser821Gly)

Gene: ABCC2 (ATP binding cassette subfamily C member 2; plus strand). Cytogenetic location: 10q24.2.
Variant type: single nucleotide variant.
Coding change: c.2461A>G on transcript NM_000392.5 (MANE Select); coding-DNA position 2461, A replaced by G.
Protein change: p.Ser821Gly; replaces serine 821 with glycine.
Molecular consequence: missense variant.
Genome position (GRCh38, 1-based): chr10:99,819,110, A>G. VCF-style: chr10-99819110-A-G. GRCh37 (hg19) VCF-style: chr10-101578867-A-G.
Other names: c.2461A>G, p.Ser821Gly (LRG_1208t1); c.2461A>G (NM_000392.3, NM_000392.4); short protein forms S821G.
Identifiers: ClinVar variation 288810 (VCV000288810.11), dbSNP rs147649283, ClinGen allele CA5643492.

ClinVar aggregate classification (germline): Uncertain significance. Review status: criteria provided, multiple submitters, no conflicts (2 of 4 stars). 5 submissions from 5 submitters: Uncertain significance (3). 2 of the submissions do not count toward it. Last evaluated 2022-06-29.

Conditions:
ABCC2-related disorder. Also called: ABCC2-related condition.
Inborn genetic diseases. Identifiers: MedGen C0950123, MeSH D030342.

Allele frequency attached by ClinVar (database versions not stated): gnomAD 0.00007 and 0.00009; ExAC 0.00008; ESP Exome Variant Server 0.00008; gnomAD exomes 0.00009 and 0.00011; TOPMed 0.00011.

Submissions (5):

Ambry Genetics
Classification: Uncertain significance for Inborn genetic diseases. Last evaluated: 2022-06-29. Review status: criteria provided, single submitter. Criteria: Ambry Variant Classification Scheme 2023. Collection method: clinical testing. Allele origin: germline.

Eurofins Ntd Llc (ga)
Classification: Uncertain significance. Last evaluated: 2018-07-09. Review status: criteria provided, single submitter. Criteria: EGL ClinVar v180209 classification definitions. Collection method: clinical testing. Allele origin: germline. Observed: 5 variant alleles, 5 heterozygotes.

Breakthrough Genomics
Classification: Uncertain significance. Review status: criteria provided, single submitter. Criteria: ACMG Guidelines, 2015. Collection method: not provided. Allele origin: germline. Inheritance: Autosomal recessive inheritance. Affected: yes.

PreventionGenetics, part of Exact Sciences
Classification: Uncertain significance for ABCC2-related condition. Last evaluated: 2024-07-02. Review status: no assertion criteria provided. Collection method: clinical testing. Allele origin: germline. Not counted in ClinVar's aggregate classification.
Comment: The ABCC2 c.2461A>G variant is predicted to result in the amino acid substitution p.Ser821Gly. To our knowledge, this variant has not been reported in the literature. This variant is reported in 0.018% of alleles in individuals of European (Non-Finnish) descent in gnomAD. At this time, the clinical significance of this variant is uncertain due to the absence of conclusive functional and genetic evidence.

Department of Pathology and Laboratory Medicine, Sinai Health System
Classification: Uncertain significance. Review status: no assertion criteria provided. Collection method: clinical testing. Allele origin: unknown. Affected: yes. Study: The Canadian Open Genetics Repository (COGR). Not counted in ClinVar's aggregate classification.
Comment: The ABCC2 p.Ser821Gly variant was not identified in the literature nor was it identified in Cosmic. The variant was identified in dbSNP (ID: rs147649283), ClinVar (classified as a VUS by EGL Genetics) and LOVD 3.0. The variant was also identified in control databases in 26 of 282700 chromosomes at a frequency of 0.000092 (Genome Aggregation Database Feb 27, 2017). The variant was observed in the following populations: European (non-Finnish) in 23 of 129032 chromosomes (freq: 0.000178), Other in 1 of 7212 chromosomes (freq: 0.000139) and Latino in 2 of 35440 chromosomes (freq: 0.000056); it was not observed in the African, Ashkenazi Jewish, East Asian, European (Finnish), and South Asian populations. The p.Ser821 residue is not conserved in mammals and computational analyses (PolyPhen-2, SIFT, AlignGVGD, BLOSUM, MutationTaster) do not suggest a high likelihood of impact to the protein; however, this information is not predictive enough to rule out pathogenicity. The variant occurs outside of the splicing consensus sequence and 2 of 4 in silico or computational prediction software programs (SpliceSiteFinder, MaxEntScan, NNSPLICE, GeneSplicer) do not predict a difference in splicing. In summary, based on the above information the clinical significance of this variant cannot be determined with certainty at this time. This variant is classified as a variant of uncertain significance.